The following is an entry in ClinVar:

ClinVar aggregate classification (germline): Likely benign. Review status: criteria provided, multiple submitters, no conflicts (2 of 4 stars). 3 submissions from 3 submitters: Likely benign (2). 1 of the submissions does not count toward it. Last evaluated 2024-11-30.

Conditions:
ZNF423-related disorder. Also called: ZNF423-related condition.
Nephronophthisis 14 (NPHP14). Identifiers: Orphanet 2318, MedGen C3539071, MONDO:0013916, OMIM 614844.

Allele frequency attached by ClinVar (database versions not stated): ExAC 0.00001; gnomAD exomes 0.00001 and 0.00002; TOPMed 0.00002.
gnomAD v4.1: 22 of 1,614,088 alleles (0.0014%); highest among the groups gnomAD compares: Middle Eastern, 0.016%; no homozygotes.

Submissions (3):

Labcorp Genetics (formerly Invitae), Labcorp
Classification: Likely benign for Nephronophthisis 14. Last evaluated: 2024-11-30. Review status: criteria provided, single submitter. Criteria: Invitae Variant Classification Sherloc (09022015). Collection method: clinical testing. Allele origin: germline.

Blueprint Genetics
Classification: Likely benign. Last evaluated: 2024-02-08. Review status: criteria provided, single submitter. Criteria: ACMG Guidelines, 2015. Collection method: clinical testing. Allele origin: germline.

PreventionGenetics, part of Exact Sciences
Classification: Likely benign for ZNF423-related condition. Last evaluated: 2019-03-26. Review status: no assertion criteria provided. Collection method: clinical testing. Allele origin: germline. Not counted in ClinVar's aggregate classification.
Comment: This variant is classified as likely benign based on ACMG/AMP sequence variant interpretation guidelines (Richards et al. 2015 PMID: 25741868, with internal and published modifications).

NM_001379286.1(ZNF423):c.1524C>T (p.Arg508=)

Gene: ZNF423 (zinc finger protein 423; minus strand). Cytogenetic location: 16q12.1.
Variant type: single nucleotide variant.
Coding change: c.1524C>T on transcript NM_001379286.1 (MANE Select); coding-DNA position 1524, C replaced by T.
Protein change: p.Arg508=; no amino-acid change (arginine 508 retained).
Molecular consequence: synonymous variant.
Genome position (GRCh38, 1-based): chr16:49,637,652, G>A on the plus strand (C>T on the coding strand, the complement: ZNF423 is on the minus strand). VCF-style: chr16-49637652-G-A. GRCh37 (hg19) VCF-style: chr16-49671563-G-A.
Other names: c.1320C>T, p.Arg440= (NM_001271620.2); c.1149C>T, p.Arg383= (NM_001330533.2); c.1500C>T, p.Arg500= (NM_015069.5); c.1500C>T (NM_015069.4).
Identifiers: ClinVar variation 1090681 (VCV001090681.12), dbSNP rs756062396, ClinGen allele CA8046665.